The following is an entry in ClinVar:

NM_005236.3(ERCC4):c.233T>C (p.Ile78Thr)

Gene: ERCC4 (ERCC excision repair 4, endonuclease catalytic subunit; plus strand). Cytogenetic location: 16p13.12.
Variant type: single nucleotide variant.
Coding change: c.233T>C on transcript NM_005236.3 (MANE Select); coding-DNA position 233, T replaced by C.
Protein change: p.Ile78Thr; replaces isoleucine 78 with threonine.
Molecular consequence: missense variant.
Genome position (GRCh38, 1-based): chr16:13,922,056, T>C. VCF-style: chr16-13922056-T-C. GRCh37 (hg19) VCF-style: chr16-14015913-T-C.
Other names: short protein forms I78T.
Identifiers: ClinVar variation 5038364 (VCV005038364.1).

ClinVar aggregate classification (germline): Uncertain significance (1 of 4 stars; one submission).

Conditions:
Xeroderma pigmentosum, group F (XPF). Also called: XERODERMA PIGMENTOSUM, TYPE F; Xeroderma pigmentosum, type 6; XERODERMA PIGMENTOSUM VI; XP, GROUP F; XERODERMA PIGMENTOSUM, COMPLEMENTATION GROUP F; ERCC4-Related Xeroderma Pigmentosum. Identifiers: MedGen C0268140, MONDO:0010215, OMIM 278760.

gnomAD v4.1: 20 of 1,613,626 alleles (0.0012%); highest among the groups gnomAD compares: South Asian, 0.011%; no homozygotes.

Submission:

St. Jude Molecular Pathology, St. Jude Children's Research Hospital
Classification: Uncertain significance for Xeroderma pigmentosum, group F. Last evaluated: 2026-10-01. Review status: criteria provided, single submitter. Criteria: St. Jude Assertion Criteria 2020. Collection method: clinical testing. Allele origin: germline.
Comment: The ERCC4 c.233T>C p.(Ile78Thr) missense change has a maximum subpopulation frequency of 0.013% in gnomAD v2.1.1. The in silico tool REVEL predicts a benign effect on protein function, but to our knowledge this prediction has not been confirmed by functional studies. To our knowledge, this variant has not been reported in the literature in individuals with Fanconi anemia or Xeroderma pigmentosum. In summary, the evidence currently available is insufficient to determine the clinical significance of this variant. It has therefore been classified as of uncertain significance (VUS-low).